The following is an entry in ClinVar:

ClinVar aggregate classification (germline): Uncertain significance (1 of 4 stars; one submission).

Conditions:
Hereditary cancer-predisposing syndrome. Also called: Neoplastic Syndromes, Hereditary; Tumor predisposition; Hereditary Cancer Syndrome; Hereditary neoplastic syndrome. Identifiers: Orphanet 140162, MedGen C0027672, MeSH D009386, MONDO:0015356.

Submission:

Ambry Genetics
Classification: Uncertain significance for Hereditary cancer-predisposing syndrome. Last evaluated: 2024-11-07. Review status: criteria provided, single submitter. Criteria: Ambry Variant Classification Scheme 2023. Collection method: clinical testing. Allele origin: germline.
Comment: The p.T41N variant (also known as c.122C>A), located in coding exon 1 of the TSC2 gene, results from a C to A substitution at nucleotide position 122. The threonine at codon 41 is replaced by asparagine, an amino acid with similar properties. This amino acid position is highly conserved in available vertebrate species. In addition, the in silico prediction for this alteration is inconclusive. Based on the available evidence, the clinical significance of this variant remains unclear.

NM_000548.5(TSC2):c.122C>A (p.Thr41Asn)

Gene: TSC2 (TSC complex subunit 2; plus strand). Cytogenetic location: 16p13.3.
Variant type: single nucleotide variant.
Coding change: c.122C>A on transcript NM_000548.5 (MANE Select); coding-DNA position 122, C replaced by A.
Protein change: p.Thr41Asn; replaces threonine 41 with asparagine.
Molecular consequence: missense variant. On other transcripts: 5 prime UTR variant (1), intron variant (1).
Genome position (GRCh38, 1-based): chr16:2,048,737, C>A. VCF-style: chr16-2048737-C-A. GRCh37 (hg19) VCF-style: chr16-2098738-C-A.
Other names: c.122C>A, p.Thr41Asn (NM_001077183.3, NM_001114382.3, NM_001318827.2 and 13 more transcripts); c.-105C>A (NM_001318831.2, NM_001406682.1, NM_001406684.1 and 2 more transcripts); c.155C>A, p.Thr52Asn (NM_001318832.2); c.-695C>A (NM_001406680.1, NM_001406683.1, NM_001406687.1); c.-324C>A (NM_001406681.1); c.-1310C>A (NM_001406689.1, NM_001406690.1, NM_001406691.1 and 2 more transcripts); c.-1616C>A (NM_001406693.1); c.-1191C>A (NM_001406694.1, NM_001406695.1); and 3 more; short protein forms T41N, T52N.
Identifiers: ClinVar variation 1755126 (VCV001755126.3), dbSNP rs1385450866, ClinGen allele CA394301700.